The following is an entry in ClinVar:

NM_000875.5(IGF1R):c.3087_3088del (p.Arg1029fs)

Gene: IGF1R (insulin like growth factor 1 receptor; plus strand). Cytogenetic location: 15q26.3.
Variant type: Microsatellite.
Coding change: c.3087_3088del on transcript NM_000875.5 (MANE Select); coding-DNA positions 3087 to 3088, 2 bases deleted (AG; older notation c.3087_3088delAG).
Protein change: p.Arg1029fs; shifts the reading frame from arginine 1029.
Molecular consequence: frameshift variant.
Genome position (GRCh38, 1-based): chr15:98,934,954-98,934,955, AG deleted; deleting any 2 consecutive bases within chr15:98,934,952-98,934,955 gives the same sequence; the c. name uses the placement nearest the transcript's 3' end. VCF-style (leftmost placement, unchanged base first): chr15-98934951-CAG-C. GRCh37 (hg19) VCF-style: chr15-99478180-CAG-C.
Other names: c.3084_3085del, p.Arg1028fs (NM_001291858.2); short protein forms R1028fs, R1029fs.
Identifiers: ClinVar variation 817703 (VCV000817703.1), dbSNP rs1596468621, ClinGen allele CA915946173.

ClinVar aggregate classification (germline): Likely pathogenic (1 of 4 stars; one submission).

Submission:

GeneDx
Classification: Likely pathogenic. Last evaluated: 2018-07-05. Review status: criteria provided, single submitter. Criteria: GeneDx Variant Classification (06012015). Collection method: clinical testing. Allele origin: germline. Affected: yes.
Comment: The c.3087_3088delAG variant in the IGF1R gene has not been reported previously as a pathogenic variant nor as a benign variant, to our knowledge. The c.3087_3088delAG variant causes a frameshift starting with codon Arginine 1029, changes this amino acid to a Serine residue, and creates a premature Stop codon at position 4 of the new reading frame, denoted p.Arg1029SerfsX4. This variant is predicted to cause loss of normal protein function either through protein truncation or nonsense-mediated mRNA decay. The c.3087_3088delAG variant is not observed in large population cohorts (Lek et al., 2016). We interpret c.3087_3088delAG as a likely pathogenic variant.